The following is an entry in ClinVar:

ClinVar aggregate classification (germline): Benign/Likely benign. Review status: criteria provided, multiple submitters, no conflicts (2 of 4 stars). 2 submissions from 2 submitters: Benign (1); Likely benign (1). Last evaluated 2026-09-01.

Allele frequency attached by ClinVar (database versions not stated): gnomAD exomes 0.00008; gnomAD 0.00011; TOPMed 0.00013; ESP Exome Variant Server 0.00015; ExAC 0.00027.
gnomAD v4.1: 135 of 1,613,326 alleles (0.0084%); highest among the groups gnomAD compares: Middle Eastern, 0.13%; no homozygotes.

Submissions (2):

CeGaT Center for Human Genetics Tuebingen
Classification: Likely benign. Last evaluated: 2026-09-01. Review status: criteria provided, single submitter. Criteria: CeGaT Center For Human Genetics Tuebingen Variant Classification Criteria Version 2. Collection method: clinical testing. Allele origin: germline. Affected: yes. Observed: 1 variant allele.
Comment: BPTF: BP4, BP7

Labcorp Genetics (formerly Invitae), Labcorp
Classification: Benign. Last evaluated: 2026-01-19. Review status: criteria provided, single submitter. Criteria: Invitae Variant Classification Sherloc (09022015). Collection method: clinical testing. Allele origin: germline.

NM_182641.4(BPTF):c.8214G>A (p.Lys2738=)

Gene: BPTF (bromodomain PHD finger transcription factor; plus strand). Cytogenetic location: 17q24.2.
Variant type: single nucleotide variant.
Coding change: c.8214G>A on transcript NM_182641.4 (MANE Select); coding-DNA position 8214, G replaced by A.
Protein change: p.Lys2738=; no amino-acid change (lysine 2738 retained).
Molecular consequence: synonymous variant.
Genome position (GRCh38, 1-based): chr17:67,959,828, G>A. VCF-style: chr17-67959828-G-A. GRCh37 (hg19) VCF-style: chr17-65955944-G-A.
Other names: c.8163G>A, p.Lys2721= (NM_004459.7).
Identifiers: ClinVar variation 2053527 (VCV002053527.5), dbSNP rs150628549, ClinGen allele CA8726540.